The following is an entry in ClinVar:

NM_004425.4(ECM1):c.1304+6_1304+7insCT

Gene: ECM1 (extracellular matrix protein 1; plus strand). Cytogenetic location: 1q21.2.
Variant type: Insertion.
Coding change: c.1304+6_1304+7insCT on transcript NM_004425.4 (MANE Select); bases 6 to 7 of the intron after coding-DNA position 1304, CT inserted.
Molecular consequence: intron variant.
Genome position: GRCh38 VCF-style: chr1-150512577-G-GTC. GRCh37 (hg19) VCF-style: chr1-150485053-G-GTC.
Other names: c.929+6_929+7insCT (NM_022664.3); c.1385+6_1385+7insCT (NM_001202858.2); c.1304+6_1304+7insCT (NM_004425.3).
Identifiers: ClinVar variation 1236041 (VCV001236041.5), dbSNP rs111691690, ClinGen allele CA1077689.

ClinVar aggregate classification (germline): Benign. Review status: criteria provided, single submitter (1 of 4 stars). 2 submissions from 2 submitters: Benign (1). 1 of the submissions does not count toward it. Last evaluated 2019-10-02.

Conditions:
ECM1-related disorder. Also called: ECM1-related condition.

Submissions (2):

GeneDx
Classification: Benign. Last evaluated: 2019-10-02. Review status: criteria provided, single submitter. Criteria: GeneDx Variant Classification Process June 2021. Collection method: clinical testing. Allele origin: germline. Affected: yes.

PreventionGenetics, part of Exact Sciences
Classification: Benign for ECM1-related condition. Last evaluated: 2019-03-01. Review status: no assertion criteria provided. Collection method: clinical testing. Allele origin: germline. Not counted in ClinVar's aggregate classification.
Comment: This variant is classified as benign based on ACMG/AMP sequence variant interpretation guidelines (Richards et al. 2015 PMID: 25741868, with internal and published modifications).